The following is an entry in ClinVar:

NM_005055.5(RAPSN):c.73G>T (p.Ala25Ser)

Gene: RAPSN (receptor associated protein of the synapse; minus strand). Cytogenetic location: 11p11.2.
Variant type: single nucleotide variant.
Coding change: c.73G>T on transcript NM_005055.5 (MANE Select); coding-DNA position 73, G replaced by T.
Protein change: p.Ala25Ser; replaces alanine 25 with serine.
Molecular consequence: missense variant.
Genome position (GRCh38, 1-based): chr11:47,448,892, C>A on the plus strand (G>T on the coding strand, the complement: RAPSN is on the minus strand). VCF-style: chr11-47448892-C-A. GRCh37 (hg19) VCF-style: chr11-47470444-C-A.
Other names: c.73G>T, p.Ala25Ser (NM_001440490.1, NM_001440491.1, NM_001440492.1 and 13 more transcripts); short protein forms A25S.
Identifiers: ClinVar variation 4791294 (VCV004791294.1).

ClinVar aggregate classification (germline): Uncertain significance (1 of 4 stars; one submission).

Conditions:
Congenital myasthenic syndrome 11. Also called: MYASTHENIC SYNDROME, CONGENITAL, Ie; Myasthenic syndrome, congenital, 11, associated with acetylcholine receptor deficiency. Identifiers: Orphanet 590, MedGen C4225367, MONDO:0014588, OMIM 616326.
Fetal akinesia deformation sequence 1 (FADS1). Also called: Fetal akinesia sequence; Pena-Shokeir syndrome type I. Identifiers: Orphanet 994, MedGen C1276035, MONDO:0100101, OMIM 208150, HP:0001989.

gnomAD v4.1: 1 of 1,614,244 alleles (0.000062%); highest among the groups gnomAD compares: Non-Finnish European, 0.000085%; no homozygotes.

Submission:

Labcorp Genetics (formerly Invitae), Labcorp
Classification: Uncertain significance for Congenital myasthenic syndrome 11; Fetal akinesia deformation sequence 1. Last evaluated: 2025-11-17. Review status: criteria provided, single submitter. Criteria: Invitae Variant Classification Sherloc (09022015). Collection method: clinical testing. Allele origin: germline.
Comment: This sequence change replaces alanine, which is neutral and non-polar, with serine, which is neutral and polar, at codon 25 of the RAPSN protein (p.Ala25Ser). This variant is present in population databases (no rsID available, gnomAD 0.0009%). This variant has not been reported in the literature in individuals affected with RAPSN-related conditions. Invitae Evidence Modeling of protein sequence and biophysical properties (such as structural, functional, and spatial information, amino acid conservation, physicochemical variation, residue mobility, and thermodynamic stability) indicates that this missense variant is expected to disrupt RAPSN protein function with a positive predictive value of 95%. Algorithms developed to predict the effect of sequence changes on RNA splicing suggest that this variant may create or strengthen a splice site. In summary, the available evidence is currently insufficient to determine the role of this variant in disease. Therefore, it has been classified as a Variant of Uncertain Significance.